The following is an entry in ClinVar:

NM_000069.3(CACNA1S):c.154C>A (p.Pro52Thr)

Gene: CACNA1S (calcium voltage-gated channel subunit alpha1 S; minus strand). Cytogenetic location: 1q32.1.
Variant type: single nucleotide variant.
Coding change: c.154C>A on transcript NM_000069.3 (MANE Select); coding-DNA position 154, C replaced by A.
Protein change: p.Pro52Thr; replaces proline 52 with threonine.
Molecular consequence: missense variant.
Genome position (GRCh38, 1-based): chr1:201,110,268, G>T on the plus strand (C>A on the coding strand, the complement: CACNA1S is on the minus strand). VCF-style: chr1-201110268-G-T. GRCh37 (hg19) VCF-style: chr1-201079396-G-T.
Other names: p.Pro52Thr; short protein forms P52T.
Identifiers: ClinVar variation 2682716 (VCV002682716.1), dbSNP rs2464692224, ClinGen allele CA344156308.

ClinVar aggregate classification (germline): Uncertain significance (1 of 4 stars; one submission).

Submission:

Mayo Clinic Laboratories, Mayo Clinic
Classification: Uncertain significance. Last evaluated: 2023-01-13. Review status: criteria provided, single submitter. Criteria: ACMG Guidelines, 2015. Collection method: clinical testing. Allele origin: germline. Observed: 1 variant allele.
Comment: PM2